The following is an entry in ClinVar:

ClinVar aggregate classification (germline): Uncertain significance (1 of 4 stars; one submission).

Conditions:
Epidermolysis bullosa, junctional 5A, intermediate. Also called: EPIDERMOLYSIS BULLOSA, JUNCTIONAL 5A, GENERALIZED INTERMEDIATE; EPIDERMOLYSIS BULLOSA, JUNCTIONAL 5A, NON-HERLITZ TYPE. Identifiers: MedGen C5676956, MONDO:0030768, OMIM 619816.

Submission:

Clinical Genomics Laboratory, Washington University in St. Louis
Classification: Uncertain significance for Epidermolysis bullosa, junctional 5A, intermediate. Last evaluated: 2024-12-02. Review status: criteria provided, single submitter. Criteria: ACMG Guidelines, 2015. Collection method: clinical testing. Allele origin: germline.
Comment: An ITGB4 c.1921G>A (p.Gly641Ser) variant was identified in a heterozygous state. To to our knowledge, it has not been reported in the medical literature. This variant is only observed on 5/227,742 alleles in the general population (gnomAD v.2.1.1), indicating it is not a common variant. Computational predictors indicate that the ITGB4 c.1921G>A (p.Gly641Ser) variant is damaging, evidence that correlates with impact to ITGB4 function. Due to limited information, and based on ACMG/AMP guidelines for variant interpretation (Richards S et al., PMID: 25741868), the clinical significance of ITGB4 c.1921G>A (p.Gly641Ser) variant is uncertain at this time.

NM_000213.5(ITGB4):c.1921G>A (p.Gly641Ser)

Gene: ITGB4 (integrin subunit beta 4; plus strand). Cytogenetic location: 17q25.1.
Variant type: single nucleotide variant.
Coding change: c.1921G>A on transcript NM_000213.5 (MANE Select); coding-DNA position 1921, G replaced by A.
Protein change: p.Gly641Ser; replaces glycine 641 with serine.
Molecular consequence: missense variant.
Genome position (GRCh38, 1-based): chr17:75,736,625, G>A. VCF-style: chr17-75736625-G-A. GRCh37 (hg19) VCF-style: chr17-73732706-G-A.
Other names: c.1921G>A, p.Gly641Ser (NM_001005619.2, NM_001005731.3, NM_001321123.2); short protein forms G641S.
Identifiers: ClinVar variation 3600409 (VCV003600409.1).
Genomic context (GRCh38, chr17:75,736,625, plus strand): 5'-ATCCACCCGGGCCTCTGCGAGGACCTACGCTCCTGCGTGCAGTGCCAGGCGTGGGGCACC[G>A]GCGAGAAGAAGGGGCGCACGTGTGAGGAATGCAACTTCAAGGTCAAGATGGTGGACGAGC-3'
Protein context (NP_000204.3, residues 631-651): SCVQCQAWGT[Gly641Ser]EKKGRTCEEC